The following is an entry in ClinVar:

NM_001301836.2(C12orf57):c.13+1G>A

Gene: C12orf57 (chromosome 12 open reading frame 57; plus strand). Cytogenetic location: 12p13.31.
Variant type: single nucleotide variant.
Coding change: c.13+1G>A on transcript NM_001301836.2; the canonical splice donor site of the intron after coding-DNA position 13, G replaced by A.
Molecular consequence: splice donor variant.
Genome position (GRCh38, 1-based): chr12:6,943,663, G>A. VCF-style: chr12-6943663-G-A. GRCh37 (hg19) VCF-style: chr12-7052826-G-A.
Other names: c.-16+1G>A (NM_001301834.1).
Identifiers: ClinVar variation 3048801 (VCV003048801.2), dbSNP rs868972460, ClinGen allele CA232434862.
Genomic context (GRCh38, chr12:6,943,663, plus strand): 5'-CGAACTCATTTGCATGGGCTGAGAACAAATGTTCGCGAACTCTAGAAATGAATGACTTAA[G>A]TAAGTTCCTTAGAATATTATTTTTCCTACTGAAAGTTACCACATGCGTCGTTGTTTATAC-3'

ClinVar aggregate classification (germline): Uncertain significance (0 of 4 stars; one submission).

Conditions:
C12orf57-related disorder. Also called: C12orf57-related condition.

Allele frequency attached by ClinVar (database versions not stated): gnomAD 0.00032; TOPMed 0.00041.

Submission:

PreventionGenetics, part of Exact Sciences
Classification: Uncertain significance for C12orf57-related condition. Last evaluated: 2023-11-21. Review status: no assertion criteria provided. Collection method: clinical testing. Allele origin: germline.
Comment: The C12orf57 c.13+1G>A variant is predicted to disrupt the GT donor site and interfere with normal splicing. To our knowledge, this variant has not been reported in the literature. This variant is reported in 0.15% of alleles in individuals of African descent in gnomAD. In a different transcript in which other splicing variants have been reported with epilepsy and neurodevelopmental disorder phenotypes (NM_138425), this variant is pre-coding (c.-459G>A). Taken together, while this variant could be pathogenic at this time we interpret its clinical significance as uncertain due to the absence of conclusive functional and genetic evidence.